The following is an entry in ClinVar:

NM_005263.5(GFI1):c.47A>G (p.His16Arg)

Gene: GFI1 (growth factor independent 1 transcriptional repressor; minus strand). Cytogenetic location: 1p22.1.
Variant type: single nucleotide variant.
Coding change: c.47A>G on transcript NM_005263.5 (MANE Select); coding-DNA position 47, A replaced by G.
Protein change: p.His16Arg; replaces histidine 16 with arginine.
Molecular consequence: missense variant.
Genome position (GRCh38, 1-based): chr1:92,483,441, T>C on the plus strand (A>G on the coding strand, the complement: GFI1 is on the minus strand). VCF-style: chr1-92483441-T-C. GRCh37 (hg19) VCF-style: chr1-92948998-T-C.
Other names: c.47A>G, p.His16Arg (NM_001127215.3, NM_001127216.3); short protein forms H16R.
Identifiers: ClinVar variation 3853730 (VCV003853730.1).
Genomic context (GRCh38, chr1:92,483,441, plus strand): 5'-CTAGGCGCCGGTACATTCTCTAAACGGAGGGAATAGTCTGGTCCTGGGGAGCGCGGCTGG[T>C]GGTAGCTGTGAGCCTTCTTGCTTTTGACGAGAAATGAGCGCGGCATGGTGGTCCGGCACT-3'
Protein context (NP_005254.2, residues 6-26): LVKSKKAHSY[His16Arg]QPRSPGPDYS

ClinVar aggregate classification (germline): Uncertain significance (1 of 4 stars; one submission).

gnomAD v4.1: 1 of 1,613,072 alleles (0.000062%); highest among the groups gnomAD compares: Non-Finnish European, 0.000085%; no homozygotes.

Submission:

Ambry Genetics
Classification: Uncertain significance. Last evaluated: 2025-02-28. Review status: criteria provided, single submitter. Criteria: Ambry Variant Classification Scheme 2023. Collection method: clinical testing. Allele origin: germline.
Comment: The p.H16R variant (also known as c.47A>G), located in coding exon 1 of the GFI1 gene, results from an A to G substitution at nucleotide position 47. The histidine at codon 16 is replaced by arginine, an amino acid with highly similar properties. This amino acid position is conserved. In addition, this alteration is predicted to be tolerated by in silico analysis. Based on the available evidence, the clinical significance of this variant remains unclear.